The following is an entry in ClinVar:

NM_001267550.2(TTN):c.94464T>C (p.Ala31488=)

Genes: TTN (titin; minus strand), TTN-AS1 (TTN antisense RNA 1; plus strand). Cytogenetic location: 2q31.2.
Variant type: single nucleotide variant.
Coding change: c.94464T>C on transcript NM_001267550.2 (MANE Select); coding-DNA position 94464, T replaced by C.
Protein change: p.Ala31488=; no amino-acid change (alanine 31488 retained).
Molecular consequence: synonymous variant.
Genome position (GRCh38, 1-based): chr2:178,547,061, A>G on the plus strand (T>C on the coding strand, the complement: TTN is on the minus strand). VCF-style: chr2-178547061-A-G. GRCh37 (hg19) VCF-style: chr2-179411788-A-G.
Other names: c.89541T>C, p.Ala29847= (NM_001256850.1); c.67269T>C, p.Ala22423= (NM_003319.4); c.86760T>C, p.Ala28920= (NM_133378.4); c.67644T>C, p.Ala22548= (NM_133432.3); c.67845T>C, p.Ala22615= (NM_133437.4).
Identifiers: ClinVar variation 390746 (VCV000390746.19), dbSNP rs138888307, ClinGen allele CA1987134.
Genomic context (GRCh38, chr2:178,547,061, plus strand): 5'-ACCAACTGGATTTTGAGCCATTATAGGTCTTGAAGCTTCGCTGGCCTTGCTAACACCTGC[A>G]GCATTGAGTGCATAAGTTCTGAACTGATATTCCAGTCCTTCTACTAAACCAGTTACTTTG-3'
Protein context (NP_001254479.2, residues 31478-31498): EYQFRTYALN[Ala31488=]AGVSKASEAS

ClinVar aggregate classification (germline): Benign/Likely benign. Review status: criteria provided, multiple submitters, no conflicts (2 of 4 stars). 9 submissions from 6 submitters: Benign (6); Likely benign (3). Last evaluated 2026-02-01.

Conditions:
TTN-related disorder. Also called: TTN-related disorders; TTN-related condition; TTN-related disease.
Autosomal recessive limb-girdle muscular dystrophy type 2J (LGMDR10). Also called: Limb-girdle muscular dystrophy, type 2J; MUSCULAR DYSTROPHY, LIMB-GIRDLE, AUTOSOMAL RECESSIVE 10. Identifiers: Orphanet 140922, MedGen C1837342, MONDO:0012127, OMIM 608807.
Dilated cardiomyopathy 1G (CMD1G). Identifiers: Orphanet 154, MedGen C1858763, MONDO:0011400, OMIM 604145.
Cardiovascular phenotype. Identifiers: MedGen CN230736.
Early-onset myopathy with fatal cardiomyopathy (CMYO5). Also called: Salih Myopathy; CONGENITAL MYOPATHY 5 WITH CARDIOMYOPATHY. Identifiers: Orphanet 289377, MedGen C2673677, MONDO:0012714, OMIM 611705. Disease mechanism: loss of function.
Tibial muscular dystrophy (TMD). Also called: UDD MYOPATHY; Tibial muscular dystrophy, tardive; Udd Distal Myopathy – Tibial Muscular Dystrophy. Identifiers: Orphanet 609, MedGen C1838244, MONDO:0010870, OMIM 600334.
Myopathy, myofibrillar, 9, with early respiratory failure (MFM9). Also called: Hereditary myopathy with early respiratory failure; MYOPATHY, PROXIMAL, WITH EARLY RESPIRATORY MUSCLE INVOLVEMENT; EDSTROM MYOPATHY; Myopathy, distal, with early respiratory failure, autosomal dominant. Identifiers: Orphanet 178464, Orphanet 34521, MedGen C1863599, MONDO:0011362, OMIM 603689.

Allele frequency attached by ClinVar (database versions not stated): gnomAD exomes 0.00002; 1000 Genomes Project 30x 0.00016; TOPMed 0.00018; 1000 Genomes Project 0.00020; ESP Exome Variant Server 0.00025; gnomAD 0.00041.
gnomAD v4.1: 75 of 1,613,816 alleles (0.0046%); highest among the groups gnomAD compares: African/African-American, 0.092%; no homozygotes.

Submissions (9):

Labcorp Genetics (formerly Invitae), Labcorp
Classification: Benign for Dilated cardiomyopathy 1G; Autosomal recessive limb-girdle muscular dystrophy type 2J. Last evaluated: 2026-02-01. Review status: criteria provided, single submitter. Criteria: Invitae Variant Classification Sherloc (09022015). Collection method: clinical testing. Allele origin: germline.

PreventionGenetics, part of Exact Sciences
Classification: Likely benign for TTN-related condition. Last evaluated: 2025-11-11. Review status: criteria provided, single submitter. Criteria: ACMG Guidelines, 2015. Collection method: clinical testing. Allele origin: germline.
Comment: This variant is classified as likely benign based on ACMG/AMP sequence variant interpretation guidelines (Richards et al. 2015 PMID: 25741868, with internal and published modifications).

Women's Health and Genetics/Laboratory Corporation of America, LabCorp
Classification: Likely benign. Last evaluated: 2024-03-30. Review status: criteria provided, single submitter. Criteria: LabCorp Variant Classification Summary - May 2015. Collection method: clinical testing. Allele origin: germline.

Genome-Nilou Lab
Classification: Benign for Autosomal recessive limb-girdle muscular dystrophy type 2J. Last evaluated: 2021-09-10. Review status: criteria provided, single submitter. Criteria: ACMG Guidelines, 2015. Collection method: clinical testing. Allele origin: germline. Affected: no.

Genome-Nilou Lab
Classification: Benign for Myopathy, myofibrillar, 9, with early respiratory failure. Last evaluated: 2021-09-10. Review status: criteria provided, single submitter. Criteria: ACMG Guidelines, 2015. Collection method: clinical testing. Allele origin: germline. Affected: no.

Genome-Nilou Lab
Classification: Benign for Early-onset myopathy with fatal cardiomyopathy. Last evaluated: 2021-09-10. Review status: criteria provided, single submitter. Criteria: ACMG Guidelines, 2015. Collection method: clinical testing. Allele origin: germline. Affected: no.

Genome-Nilou Lab
Classification: Benign for Tibial muscular dystrophy. Last evaluated: 2021-09-10. Review status: criteria provided, single submitter. Criteria: ACMG Guidelines, 2015. Collection method: clinical testing. Allele origin: germline. Affected: no.

Ambry Genetics
Classification: Benign for Cardiovascular phenotype. Last evaluated: 2021-04-06. Review status: criteria provided, single submitter. Criteria: Ambry Variant Classification Scheme 2023. Collection method: clinical testing. Allele origin: germline.

GeneDx
Classification: Likely benign. Last evaluated: 2017-07-05. Review status: criteria provided, single submitter. Criteria: GeneDx Variant Classification (06012015). Collection method: clinical testing. Allele origin: germline. Affected: yes.
Comment: This variant is considered likely benign or benign based on one or more of the following criteria: it is a conservative change, it occurs at a poorly conserved position in the protein, it is predicted to be benign by multiple in silico algorithms, and/or has population frequency not consistent with disease.